The following is an entry in ClinVar:

NM_018941.4(CLN8):c.544-2A>C

Gene: CLN8 (CLN8 transmembrane ER and ERGIC protein; plus strand). Cytogenetic location: 8p23.3.
Variant type: single nucleotide variant.
Coding change: c.544-2A>C on transcript NM_018941.4 (MANE Select); the canonical splice acceptor site of the intron before coding-DNA position 544, A replaced by C.
Molecular consequence: splice acceptor variant.
Genome position (GRCh38, 1-based): chr8:1,780,248, A>C. VCF-style: chr8-1780248-A-C. GRCh37 (hg19) VCF-style: chr8-1728414-A-C.
Identifiers: ClinVar variation 2829208 (VCV002829208.3), dbSNP rs1554451484, ClinGen allele CA369953794.

ClinVar aggregate classification (germline): Uncertain significance (1 of 4 stars; one submission).

Conditions:
Neuronal ceroid lipofuscinosis. Also called: Neuronal Ceroid Lipofuscinoses. Identifiers: Orphanet 216, Orphanet 79263, MedGen C0027877, MONDO:0016295. Disease mechanism: loss of function.

Submission:

Labcorp Genetics (formerly Invitae), Labcorp
Classification: Uncertain significance for Neuronal ceroid lipofuscinosis. Last evaluated: 2023-08-04. Review status: criteria provided, single submitter. Criteria: Invitae Variant Classification Sherloc (09022015). Collection method: clinical testing. Allele origin: germline.
Comment: This sequence change affects an acceptor splice site in intron 2 of the CLN8 gene. While this variant is not anticipated to result in nonsense mediated decay, it likely alters RNA splicing and results in a disrupted protein product. This variant is not present in population databases (gnomAD no frequency). This variant has not been reported in the literature in individuals affected with CLN8-related conditions. Variants that disrupt the consensus splice site are a relatively common cause of aberrant splicing (PMID: 17576681, 9536098). Algorithms developed to predict the effect of sequence changes on RNA splicing suggest that this variant may disrupt the consensus splice site. In summary, the available evidence is currently insufficient to determine the role of this variant in disease. Therefore, it has been classified as a Variant of Uncertain Significance.

Literature cited by the submitters: PubMed 17576681; PubMed 9536098.